The following is an entry in ClinVar:

NM_015080.4(NRXN2):c.3438G>T (p.Ala1146=)

Gene: NRXN2 (neurexin 2; minus strand). Cytogenetic location: 11q13.1.
Variant type: single nucleotide variant.
Coding change: c.3438G>T on transcript NM_015080.4 (MANE Select); coding-DNA position 3438, G replaced by T.
Protein change: p.Ala1146=; no amino-acid change (alanine 1146 retained).
Molecular consequence: synonymous variant.
Genome position (GRCh38, 1-based): chr11:64,635,418, C>A on the plus strand (G>T on the coding strand, the complement: NRXN2 is on the minus strand). VCF-style: chr11-64635418-C-A. GRCh37 (hg19) VCF-style: chr11-64402890-C-A.
Other names: c.3438G>T, p.Ala1146= (NM_001376262.1); c.3417G>T, p.Ala1139= (NM_001376263.1, NM_001376267.1); c.3393G>T, p.Ala1131= (NM_001376265.1); c.3414G>T, p.Ala1138= (NM_001376266.1); c.63G>T, p.Ala21= (NM_001400681.1, NM_001400682.1); c.3318G>T, p.Ala1106= (NM_138732.3); c.300G>T, p.Ala100= (NM_138734.3).
Identifiers: ClinVar variation 4084889 (VCV004084889.8).

ClinVar aggregate classification (germline): Likely benign (1 of 4 stars; one submission).

gnomAD v4.1: 3 of 1,613,804 alleles (0.00019%); highest among the groups gnomAD compares: Non-Finnish European, 0.00025%; no homozygotes.

Submission:

CeGaT Center for Human Genetics Tuebingen
Classification: Likely benign. Last evaluated: 2025-08-01. Review status: criteria provided, single submitter. Criteria: CeGaT Center For Human Genetics Tuebingen Variant Classification Criteria Version 2. Collection method: clinical testing. Allele origin: germline. Affected: yes. Observed: 1 variant allele.
Comment: NRXN2: BP4, BP7